The following is an entry in ClinVar:

NM_000540.3(RYR1):c.12604G>T (p.Ala4202Ser)

Gene: RYR1 (ryanodine receptor 1; plus strand). Cytogenetic location: 19q13.2.
Variant type: single nucleotide variant.
Coding change: c.12604G>T on transcript NM_000540.3 (MANE Select); coding-DNA position 12604, G replaced by T.
Protein change: p.Ala4202Ser; replaces alanine 4202 with serine.
Molecular consequence: missense variant.
Genome position (GRCh38, 1-based): chr19:38,561,434, G>T. VCF-style: chr19-38561434-G-T. GRCh37 (hg19) VCF-style: chr19-39052074-G-T.
Other names: c.12589G>T, p.Ala4197Ser (NM_001042723.2); short protein forms A4197S, A4202S.
Identifiers: ClinVar variation 3072699 (VCV003072699.1), dbSNP rs2514654671, ClinGen allele CA405669881.

ClinVar aggregate classification (germline): Uncertain significance (1 of 4 stars; one submission).

Conditions:
Malignant hyperthermia, susceptibility to, 1 (MHS1). Also called: Anesthesia related hyperthermia; Malignant hyperpyrexia; Fulminating hyperpyrexia; Pharmacogenic myopathy; RYR1-Related Malignant Hyperthermia Susceptibility; Malignant hyperthermia suceptibility 1. Identifiers: Orphanet 423, MedGen C2930980, MONDO:0007783, OMIM 145600.

Submission:

All of Us Research Program, National Institutes of Health
Classification: Uncertain significance for Malignant hyperthermia, susceptibility to, 1. Last evaluated: 2023-08-15. Review status: criteria provided, single submitter. Criteria: ACMG Guidelines, 2015. Collection method: clinical testing. Allele origin: germline. Inheritance: Autosomal dominant inheritance. Observed: 1 variant allele, 1 heterozygote.
Comment: This study involves interpretation of variants in research participants for the purpose of population health screening. Participant phenotype was not available at the time of variant classification. Additional details can be found in publication PMID: 35346344, PMCID: PMC8962531